The following is an entry in ClinVar:

NM_031892.3(SH3KBP1):c.48T>A (p.Asp16Glu)

Gene: SH3KBP1 (SH3 domain containing kinase binding protein 1; minus strand). Cytogenetic location: Xp22.12.
Variant type: single nucleotide variant.
Coding change: c.48T>A on transcript NM_031892.3 (MANE Select); coding-DNA position 48, T replaced by A.
Protein change: p.Asp16Glu; replaces aspartic acid 16 with glutamic acid.
Molecular consequence: missense variant.
Genome position (GRCh38, 1-based): chrX:19,836,239, A>T on the plus strand (T>A on the coding strand, the complement: SH3KBP1 is on the minus strand). VCF-style: chrX-19836239-A-T. GRCh37 (hg19) VCF-style: chrX-19854357-A-T.
Other names: c.48T>A, p.Asp16Glu (NM_001353890.2, NM_001353891.2, NM_001353892.2 and 2 more transcripts); short protein forms D16E.
Identifiers: ClinVar variation 3679534 (VCV003679534.2).
Genomic context (GRCh38, chrX:19,836,239, plus strand): 5'-CCAGCCTCCATCCTCCTTCCTGATGTTGGTGATGATTTCACCCACGCTGATCGTCAGCTC[A>T]TCATCGTGCTGGGCCTGGTAGTCAAACTCCACTATGGCCTCCACTGGAAGGAACAGGGAA-3'
Protein context (NP_114098.1, residues 6-26): VEFDYQAQHD[Asp16Glu]ELTISVGEII

ClinVar aggregate classification (germline): Uncertain significance (1 of 4 stars; one submission).

Submission:

Labcorp Genetics (formerly Invitae), Labcorp
Classification: Uncertain significance. Last evaluated: 2025-05-01. Review status: criteria provided, single submitter. Criteria: Invitae Variant Classification Sherloc (09022015). Collection method: clinical testing. Allele origin: germline.
Comment: This sequence change replaces aspartic acid, which is acidic and polar, with glutamic acid, which is acidic and polar, at codon 16 of the SH3KBP1 protein (p.Asp16Glu). This variant is not present in population databases (gnomAD no frequency). This variant has not been reported in the literature in individuals affected with SH3KBP1-related conditions. ClinVar contains an entry for this variant (Variation ID: 3679534). Invitae Evidence Modeling of protein sequence and biophysical properties (such as structural, functional, and spatial information, amino acid conservation, physicochemical variation, residue mobility, and thermodynamic stability) indicates that this missense variant is expected to disrupt SH3KBP1 protein function with a positive predictive value of 80%. In summary, the available evidence is currently insufficient to determine the role of this variant in disease. Therefore, it has been classified as a Variant of Uncertain Significance.